The following is an entry in ClinVar:

ClinVar aggregate classification (germline): Benign. Review status: criteria provided, multiple submitters, no conflicts (2 of 4 stars). 5 submissions from 5 submitters: Benign (5). Last evaluated 2025-07-28.

Conditions:
Hereditary pancreatitis (PCTT). Also called: Hereditary chronic pancreatitis; PRSS1-Related Hereditary Pancreatitis. Identifiers: Orphanet 676, MedGen C0238339, MONDO:0008185, OMIM 167800.

Allele frequency attached by ClinVar (database versions not stated): gnomAD exomes 0.00250 and 0.00650; ExAC 0.00850; gnomAD 0.02567 and 0.02717; ESP Exome Variant Server 0.02781; 1000 Genomes Project 0.02895; TOPMed 0.02908; 1000 Genomes Project 30x 0.03123.

Submissions (5):

ARUP Laboratories, Molecular Genetics and Genomics, ARUP Laboratories
Classification: Benign for Hereditary pancreatitis. Last evaluated: 2025-07-28. Review status: criteria provided, single submitter. Criteria: ARUP Molecular Germline Variant Investigation Process 2024. Collection method: clinical testing. Allele origin: germline.

Labcorp Genetics (formerly Invitae), Labcorp
Classification: Benign for Hereditary pancreatitis. Last evaluated: 2025-03-31. Review status: criteria provided, single submitter. Criteria: Invitae Variant Classification Sherloc (09022015). Collection method: clinical testing. Allele origin: germline.

Sema4
Classification: Benign for Hereditary pancreatitis. Last evaluated: 2019-12-09. Review status: criteria provided, single submitter. Criteria: Sema4 Curation Guidelines. Collection method: curation. Allele origin: germline.

GeneDx
Classification: Benign. Last evaluated: 2018-06-23. Review status: criteria provided, single submitter. Criteria: GeneDx Variant Classification Process June 2021. Collection method: clinical testing. Allele origin: germline. Affected: yes.
Comment: This variant is associated with the following publications: (PMID: 18172691)

Breakthrough Genomics
Classification: Benign. Review status: criteria provided, single submitter. Criteria: ACMG Guidelines, 2015. Collection method: not provided. Allele origin: germline. Inheritance: Autosomal dominant inheritance. Affected: yes.

NM_007272.3(CTRC):c.*83T>C

Gene: CTRC (chymotrypsin C; plus strand). Cytogenetic location: 1p36.21.
Variant type: single nucleotide variant.
Coding change: c.*83T>C on transcript NM_007272.3 (MANE Select); 83 bases downstream of the stop codon, T replaced by C.
Molecular consequence: 3 prime UTR variant.
Genome position (GRCh38, 1-based): chr1:15,446,672, T>C. VCF-style: chr1-15446672-T-C. GRCh37 (hg19) VCF-style: chr1-15773167-T-C.
Identifiers: ClinVar variation 368835 (VCV000368835.15), dbSNP rs75456156, ClinGen allele CA613511.
Genomic context (GRCh38, chr1:15,446,672, plus strand): 5'-GCGAGTCCCTGCAACAGCAATAAACTTCCTTCTCCTCGGGCCACCTGGATCCTTGATTTG[T>C]GCAGCTTCTGTTGCTTCCCTCCTCTCTGGTGCTGCCCCTTTCCACACTATGGAGCCAAAG-3'